The following is an entry in ClinVar:

NM_000132.4(F8):c.6744G>T (p.Trp2248Cys)

Gene: F8 (coagulation factor VIII; minus strand). Cytogenetic location: Xq28.
Variant type: single nucleotide variant.
Coding change: c.6744G>T on transcript NM_000132.4 (MANE Select); coding-DNA position 6744, G replaced by T.
Protein change: p.Trp2248Cys; replaces tryptophan 2248 with cysteine.
Molecular consequence: missense variant.
Genome position (GRCh38, 1-based): chrX:154,860,588, C>A on the plus strand (G>T on the coding strand, the complement: F8 is on the minus strand). VCF-style: chrX-154860588-C-A. GRCh37 (hg19) VCF-style: chrX-154088863-C-A.
Other names: F8, TRP2248CYS; NM_000132.3(F8):c.6744G>T; c.339G>T, p.Trp113Cys (NM_019863.3); short protein forms W2248C, W113C.
Identifiers: ClinVar variation 10327 (VCV000010327.10), dbSNP rs137852469, ClinGen allele CA255218.

ClinVar aggregate classification (germline): Pathogenic. Review status: reviewed by expert panel (3 of 4 stars). 4 submissions from 4 submitters: Pathogenic (1). 3 of the submissions do not count toward it. Last evaluated 2024-02-02.

Conditions:
Hereditary factor IX deficiency disease (HEMB). Also called: Christmas Disease; F9 DEFICIENCY; FACTOR IX DEFICIENCY; Hemophilia B; PLASMA THROMBOPLASTIN COMPONENT DEFICIENCY. Identifiers: Orphanet 98879, MedGen C0008533, MeSH D002836, MONDO:0010604, OMIM 306900.
Hereditary factor VIII deficiency disease (HEMA). Also called: HEMOPHILIA, CLASSIC; Hemophilia A; Hemophilia A, congenital; HEM A; Factor 8 deficiency, congenital; AUTOSOMAL HEMOPHILIA A. Identifiers: Orphanet 98878, MedGen C0019069, MONDO:0010602, OMIM 306700.

Allele frequency attached by ClinVar (database versions not stated): gnomAD exomes below 0.00001; TOPMed 0.00001.
gnomAD v4.1: 1 of 1,211,659 alleles (0.000083%); highest among the groups gnomAD compares: Non-Finnish European, 0.00011%; no homozygotes.

Submissions (4):

ClinGen Coagulation Factor Deficiency Variant Curation Expert Panel, Clingen
Classification: Pathogenic for Hereditary factor VIII deficiency disease. Last evaluated: 2024-02-02. Review status: reviewed by expert panel. Criteria: ClinGen CoagFactor ACMG Specifications F8 V1.0.0. Collection method: curation. Allele origin: germline. Inheritance: X-linked inheritance.
Comment: The NM_000132.3(F8):c.6744G>T (p.Trp2248Cys) is reported in at least 19 patients with mild, moderate or severe hemophilia A in the literature reviewed (PMID: 17222201, 18691168, 15921397, 1301932, 17610560). There are several additional probands with the variant reported in the EAHAD database, recorded from the literature and unpublished sources. There are also individuals reported with a history of inhibitor development to factor VIII replacement therapy (EAHAD/CDC Champs Databases). The variant is absent from gnomAD v2.1.1 and v3 meeting PM2_Supporting. This missense variant has a REVEL score of 0.925 (>0.6), meeting criteria for PP3. In summary, this variant meets criteria to be classified as pathogenic. ACMG/AMP criteria applied, as specified by the Coagulation Factor Deficiency Variant Curation Expert Panel for F8/F9: PS4_Very Strong, PP3, PM2_Supporting.

ARUP Laboratories, Molecular Genetics and Genomics, ARUP Laboratories
Classification: Pathogenic. Last evaluated: 2022-10-07. Review status: criteria provided, single submitter. Criteria: ARUP Molecular Germline Variant Investigation Process 2021. Collection method: clinical testing. Allele origin: germline. Not counted in ClinVar's aggregate classification.
Comment: The F8 c.6744G>T; p.Trp2248Cys variant (rs137852469), also known as W2229C in traditional nomenclature, is reported in the literature in multiple individuals affected with mild to severe hemophilia A (Diamond 1992, Markoff 2009, Naylor 1991, see link to FVIII database). This variant is also reported in ClinVar (Variation ID: 10327). This variant is absent from the Genome Aggregation Database, indicating it is not a common polymorphism. The tryptophan at codon 2248 is highly conserved, and computational analyses predict that this variant is deleterious (REVEL: 0.925). Additionally, other variants at this codon (c.6742T>A, p.Trp2248Arg; c.6742T>C, p.Trp2248Arg; c.6743G>C p.Trp2248Ser) have been reported in individuals with mild to severe hemophilia A (Markoff 2009, Santacroce 2008, Shinozawa 2021, Yenchitsomanus 2003). Based on available information, this variant is considered to be pathogenic. References: Link to FVIII database: Diamond C et al. Amino acid substitutions in conserved domains of factor VIII and related proteins: study of patients with mild and moderately severe hemophilia A. Hum Mutat. 1992;1(3):248-57. PMID: 1301932. Markoff A et al. Combined homology modelling and evolutionary significance evaluation of missense mutations in blood clotting factor VIII to highlight aspects of structure and function. Haemophilia. 2009 Jul;15(4):932-41. PMID: 19473423. Naylor JA et al. Detection of three novel mutations in two haemophilia A patients by rapid screening of whole essential region of factor VIII gene. Lancet. 1991 Mar 16;337(8742):635-9. PMID: 1671991. Santacroce R et al. Identification of 217 unreported mutations in the F8 gene in a group of 1,410 unselected Italian patients with hemophilia A. J Hum Genet. 2008;53(3):275-284. PMID: 18217193. Shinozawa K et al. Spectrum of F8 Genotype and Genetic Impact on Inhibitor Development in Patients with Hemophilia A from Multicenter Cohort Studies (J-HIS) in Japan. Thromb Haemost. 2021 May;121(5):603-615. PMID: 33254277. Yenchitsomanus P et al. Genotype and phenotype of haemophilia A in Thai patients. Haemophilia. 2003 Mar;9(2):179-86. PMID: 12614369.

NIHR Bioresource Rare Diseases, University of Cambridge
Classification: Pathogenic for Hereditary factor IX deficiency disease. Last evaluated: 2019-02-01. Review status: criteria provided, single submitter. Criteria: ACMG Guidelines, 2015. Collection method: research. Allele origin: unknown. Affected: yes. Observed: 1 hemizygote. Study: ThromboGenomics. Not counted in ClinVar's aggregate classification.

OMIM
Classification: Pathogenic for HEMOPHILIA A. Last evaluated: 1992-01-01. Review status: no assertion criteria provided. Collection method: literature only. Allele origin: germline. Not counted in ClinVar's aggregate classification.

Literature cited by the submitters: PubMed 31064749 (cited by NIHR Bioresource Rare Diseases, University of Cambridge); PubMed 1357455 (cited by OMIM); PubMed 1301932 (cited by OMIM); PubMed 6438527 (cited by OMIM).